The following is an entry in ClinVar:

ClinVar aggregate classification (germline): Likely pathogenic. Review status: reviewed by expert panel (3 of 4 stars). 4 submissions from 4 submitters: Likely pathogenic (1). 3 of the submissions do not count toward it. Last evaluated 2022-03-11.

Conditions:
Phenylketonuria (PKU). Also called: Phenylketonuria (PKU); FOLLING DISEASE; OLIGOPHRENIA PHENYLPYRUVICA; Phenylketonurias. Identifiers: Orphanet 716, MedGen C0031485, MONDO:0009861, OMIM 261600. Disease mechanism: loss of function.

Allele frequency attached by ClinVar (database versions not stated): TOPMed below 0.00001; gnomAD exomes below 0.00001.
gnomAD v4.1: 1 of 1,613,652 alleles (0.000062%); highest among the groups gnomAD compares: Non-Finnish European, 0.000085%; no homozygotes.

Submissions (4):

ClinGen PAH Variant Curation Expert Panel
Classification: Likely pathogenic for Phenylketonuria. Last evaluated: 2022-03-11. Review status: reviewed by expert panel. Criteria: ClinGen PAH ACMG Specifications v1. Collection method: curation. Allele origin: germline. Inheritance: Autosomal recessive inheritance.
Comment: The NM_000277.2(PAH):c.1130A>G (p.Tyr377Cys) variant is a missense variant in exon 11/13 of PAH. The variant has been previously reported in trans with p.R243* (Pathogenic in ClinVar and per ClinGen PAH VCEP) in a PKU patient (plasma Phe 765 umol/L); BH4 deficiency was excluded by analysis of urinary pterins and dihydropterine reductase assays (PMID: 22526846) (PM3; PP4_Moderate). One heterozygote and zero homozygotes are present for the variant in gnomAD, corresponding to a global frequency of 0.00000398 and a maximum population frequency (non-Finnish European) of 0.00000879, under the frequency cutoff of 0.0002 for use of PM2 (PM2). The variant is predicted damaging by multiple in-silico missense predictors, including REVEL (REVEL score 0.849), so PP3 is met. PM5 also applies because a different missense variant at the same amino acid residue, p.Y377D, qualifies as Likely Pathogenic: the p.Y377D variant has been previously reported in trans with the known pathogenic c.1066-11G>A splicing mutation in a proband with PKU (plasma Phe 20-30mg/dL; BH4 formally excluded by urinary pterin and DHPR analysis) (PMID: 21890392) (PM3; PP4_Moderate), is absent in ethnically diverse control databases, including gnomAD/ExAC, 1000 Genomes, and ESP (PM2), and is predicted damaging by multiple in-silico missense predictors, including REVEL (REVEL score 0.874) (PP3). Classification: Likely Pathogenic Supporting Criteria: PM2; PM3; PP4_Moderate; PM5, PP3

Natera, Inc.
Classification: Likely pathogenic for Phenylketonuria. Last evaluated: 2024-11-07. Review status: criteria provided, single submitter. Criteria: Natera Variant Classification Schema (03/2026). Collection method: clinical testing. Allele origin: germline. Not counted in ClinVar's aggregate classification.
Comment: The c.1130A>G variant in PAH is a missense variant predicted to cause substitution of tyrosine to cysteine at amino acid 377. This variant is rare in the general population with a frequency below the threshold expected for the associated phenotype(s). This variant has been observed in one or more individuals affected with the associated recessive disease, as either homozygous or compound heterozygous with a second variant (PMID: 22526846). This variant has been identified in one or more affected individuals with a phenotype highly consistent with the associated gene (PMID: 22526846). Computational prediction algorithms indicate this variant is likely to affect gene or protein function. Given the available evidence, this variant is classified as Likely Pathogenic.

Labcorp Genetics (formerly Invitae), Labcorp
Classification: Likely pathogenic for Phenylketonuria. Last evaluated: 2023-08-29. Review status: criteria provided, single submitter. Criteria: Invitae Variant Classification Sherloc (09022015). Collection method: clinical testing. Allele origin: germline. Not counted in ClinVar's aggregate classification.
Comment: ClinVar contains an entry for this variant (Variation ID: 102534). This missense change has been observed in individual(s) with phenylketonuria (PMID: 12655553, 22526846). This variant is present in population databases (rs62642942, gnomAD 0.0009%). This sequence change replaces tyrosine, which is neutral and polar, with cysteine, which is neutral and slightly polar, at codon 377 of the PAH protein (p.Tyr377Cys). Advanced modeling of protein sequence and biophysical properties (such as structural, functional, and spatial information, amino acid conservation, physicochemical variation, residue mobility, and thermodynamic stability) performed at Invitae indicates that this missense variant is not expected to disrupt PAH protein function. In summary, the available evidence is currently insufficient to determine the role of this variant in disease. Therefore, it has been classified as a Variant of Uncertain Significance. This variant disrupts the p.Tyr377 amino acid residue in PAH. Other variant(s) that disrupt this residue have been observed in individuals with PAH-related conditions (PMID: 21890392), which suggests that this may be a clinically significant amino acid residue.

DeBelle Laboratory for Biochemical Genetics, MUHC/MCH RESEARCH INSTITUTE
No classification provided. Review status: no classification provided. Collection method: not provided. Allele origin: not provided. Not counted in ClinVar's aggregate classification.

Literature cited by the submitters: PubMed 22526846 (cited by Natera, Inc. and Labcorp Genetics (formerly Invitae), Labcorp); PubMed 12655553 (cited by Labcorp Genetics (formerly Invitae), Labcorp); PubMed 21890392 (cited by Labcorp Genetics (formerly Invitae), Labcorp).

NM_000277.3(PAH):c.1130A>G (p.Tyr377Cys)

Gene: PAH (phenylalanine hydroxylase; minus strand). Cytogenetic location: 12q23.2.
Variant type: single nucleotide variant.
Coding change: c.1130A>G on transcript NM_000277.3 (MANE Select); coding-DNA position 1130, A replaced by G.
Protein change: p.Tyr377Cys; replaces tyrosine 377 with cysteine.
Molecular consequence: missense variant.
Genome position (GRCh38, 1-based): chr12:102,843,715, T>C on the plus strand (A>G on the coding strand, the complement: PAH is on the minus strand). VCF-style: chr12-102843715-T-C. GRCh37 (hg19) VCF-style: chr12-103237493-T-C.
Other names: NM_000277.3(PAH):c.1130A>G; c.1130A>G, p.Tyr377Cys (NM_001354304.2); c.1130A>G (NM_000277.2); short protein forms Y377C.
Identifiers: ClinVar variation 102534 (VCV000102534.6), dbSNP rs62642942, ClinGen allele CA229357.
Genomic context (GRCh38, chr12:102,843,715, plus strand): 5'-TCCTTGGCATCATTAAAACTCTCTGCCACGTAATAGAGGGGCTGGAACTCCGTGACAGTG[T>C]AATTTTGGATGGCTGTCTTCTCCAGCTCCAGGGGGAGAAGCTTTGGCTTCTCTGATAAGC-3'
Protein context (NP_000268.1, residues 367-387): LELEKTAIQN[Tyr377Cys]TVTEFQPLYY